The following is an entry in ClinVar:

NM_020822.3(KCNT1):c.146C>G (p.Thr49Ser)

Gene: KCNT1 (potassium sodium-activated channel subfamily T member 1; plus strand). Cytogenetic location: 9q34.3.
Variant type: single nucleotide variant.
Coding change: c.146C>G on transcript NM_020822.3 (MANE Select); coding-DNA position 146, C replaced by G.
Protein change: p.Thr49Ser; replaces threonine 49 with serine.
Molecular consequence: missense variant. On other transcripts: intron variant (1).
Genome position (GRCh38, 1-based): chr9:135,714,612, C>G. VCF-style: chr9-135714612-C-G. GRCh37 (hg19) VCF-style: chr9-138606458-C-G.
Other names: c.110+12244C>G (NM_001272003.2); short protein forms T49S.
Identifiers: ClinVar variation 386452 (VCV000386452.42), dbSNP rs200137341, ClinGen allele CA5326291.

ClinVar aggregate classification (germline): Likely benign. Review status: criteria provided, multiple submitters, no conflicts (2 of 4 stars). 8 submissions from 7 submitters: Likely benign (8). Last evaluated 2025-11-02.

Conditions:
Inborn genetic diseases. Identifiers: MedGen C0950123, MeSH D030342.
Autosomal dominant nocturnal frontal lobe epilepsy 5. Also called: CILIARY DYSKINESIA, PRIMARY, 28, WITHOUT SITUS INVERSUS; CILIARY DYSKINESIA, PRIMARY, 28, WITH SITUS INVERSUS; KCNT1-Related Epilepsy; Epilepsy, nocturnal frontal lobe, 5. Identifiers: Orphanet 98784, MedGen C3554306, MONDO:0014002, OMIM 615005.
Developmental and epileptic encephalopathy, 14 (DEE14). Also called: Early infantile epileptic encephalopathy 14. Identifiers: Orphanet 293181, MedGen C3554195, MONDO:0013989, OMIM 614959.

Allele frequency attached by ClinVar (database versions not stated): gnomAD 0.00004 and 0.00006; gnomAD exomes 0.00006 and 0.00015; ExAC 0.00012.
gnomAD v4.1: 84 of 1,447,724 alleles (0.0058%); highest among the groups gnomAD compares: Middle Eastern, 0.022%; no homozygotes.

Submissions (8):

Labcorp Genetics (formerly Invitae), Labcorp
Classification: Likely benign for Autosomal dominant nocturnal frontal lobe epilepsy 5; Developmental and epileptic encephalopathy, 14. Last evaluated: 2025-11-02. Review status: criteria provided, single submitter. Criteria: Invitae Variant Classification Sherloc (09022015). Collection method: clinical testing. Allele origin: germline.

Women's Health and Genetics/Laboratory Corporation of America, LabCorp
Classification: Likely benign. Last evaluated: 2025-06-09. Review status: criteria provided, single submitter. Criteria: LabCorp Variant Classification Summary - May 2015. Collection method: clinical testing. Allele origin: germline.
Comment: Variant summary: KCNT1 c.146C>G (p.Thr49Ser) results in a conservative amino acid change in the encoded protein sequence. Algorithms developed to predict the effect of missense changes on protein structure and function are either unavailable or do not agree on the potential impact of this missense change. The variant allele was found at a frequency of 0.00015 in 173776 control chromosomes, predominantly at a frequency of 0.003 within the Ashkenazi Jewish subpopulation in the gnomAD database, suggesting the variant may be benign. The available data on variant occurrences in the general population are insufficient to allow any conclusion about variant significance. To our knowledge, no occurrence of c.146C>G in individuals affected with Developmental And Epileptic Encephalopathy, 14 and no experimental evidence demonstrating its impact on protein function have been reported. ClinVar contains an entry for this variant (Variation ID: 386452). Based on the evidence outlined above, the variant was classified as likely benign.

Blueprint Genetics
Classification: Likely benign. Last evaluated: 2024-04-19. Review status: criteria provided, single submitter. Criteria: ACMG Guidelines, 2015. Collection method: clinical testing. Allele origin: germline.

CeGaT Center for Human Genetics Tuebingen
Classification: Likely benign. Last evaluated: 2023-07-01. Review status: criteria provided, single submitter. Criteria: CeGaT Center For Human Genetics Tuebingen Variant Classification Criteria Version 2. Collection method: clinical testing. Allele origin: germline. Affected: yes. Observed: 1 variant allele.
Comment: KCNT1: BS1

Ambry Genetics
Classification: Likely benign for Inborn genetic diseases. Last evaluated: 2022-12-16. Review status: criteria provided, single submitter. Criteria: Ambry Variant Classification Scheme 2023. Collection method: clinical testing. Allele origin: germline.

Genome-Nilou Lab
Classification: Likely benign for Developmental and epileptic encephalopathy, 14. Last evaluated: 2022-03-15. Review status: criteria provided, single submitter. Criteria: ACMG Guidelines, 2015. Collection method: clinical testing. Allele origin: germline. Affected: no.

Genome-Nilou Lab
Classification: Likely benign for Autosomal dominant nocturnal frontal lobe epilepsy 5. Last evaluated: 2022-03-15. Review status: criteria provided, single submitter. Criteria: ACMG Guidelines, 2015. Collection method: clinical testing. Allele origin: germline. Affected: no.

GeneDx
Classification: Likely benign. Last evaluated: 2016-05-26. Review status: criteria provided, single submitter. Criteria: GeneDx Variant Classification (06012015). Collection method: clinical testing. Allele origin: germline. Affected: yes.
Comment: This variant is considered likely benign or benign based on one or more of the following criteria: it is a conservative change, it occurs at a poorly conserved position in the protein, it is predicted to be benign by multiple in silico algorithms, and/or has population frequency not consistent with disease.